The following is an entry in ClinVar:

NM_000077.5(CDKN2A):c.367C>T (p.His123Tyr)

Gene: CDKN2A (cyclin dependent kinase inhibitor 2A; minus strand). Cytogenetic location: 9p21.3.
Variant type: single nucleotide variant.
Coding change: c.367C>T on transcript NM_000077.5; coding-DNA position 367, C replaced by T.
Protein change: p.His123Tyr; replaces histidine 123 with tyrosine.
Molecular consequence: missense variant (on NM_000077.6). On other transcripts: 3 prime UTR variant (2).
Genome position (GRCh38, 1-based): chr9:21,970,992, G>A on the plus strand (C>T on the coding strand, the complement: CDKN2A is on the minus strand). VCF-style: chr9-21970992-G-A. GRCh37 (hg19) VCF-style: chr9-21970991-G-A.
Other names: c.367C>T, p.His123Tyr (NM_000077.6, NM_001195132.2); c.214C>T, p.His72Tyr (NM_001363763.2); c.*11C>T (NM_058195.4); c.*290C>T (NM_058197.5); short protein forms H123Y, H72Y.
Identifiers: ClinVar variation 2836865 (VCV002836865.3), dbSNP rs1819690602, ClinGen allele CA373085970.

ClinVar aggregate classification (germline): Uncertain significance (1 of 4 stars; one submission).

Conditions:
Familial melanoma. Also called: Hereditary melanoma; Hereditary cutaneous melanoma. Identifiers: Orphanet 618, MedGen C1512419, MONDO:0018961.

Allele frequency attached by ClinVar (database versions not stated): TOPMed below 0.00001.

Submission:

Labcorp Genetics (formerly Invitae), Labcorp
Classification: Uncertain significance for Familial melanoma. Last evaluated: 2023-02-14. Review status: criteria provided, single submitter. Criteria: Invitae Variant Classification Sherloc (09022015). Collection method: clinical testing. Allele origin: germline.
Comment: This sequence change replaces histidine, which is basic and polar, with tyrosine, which is neutral and polar, at codon 123 of the CDKN2A (p16INK4a) protein (p.His123Tyr). This variant is not present in population databases (gnomAD no frequency). This variant has not been reported in the literature in individuals affected with CDKN2A (p16INK4a)-related conditions. Algorithms developed to predict the effect of missense changes on protein structure and function are either unavailable or do not agree on the potential impact of this missense change (SIFT: "Deleterious"; PolyPhen-2: "Benign"; Align-GVGD: "Class C65"). In summary, the available evidence is currently insufficient to determine the role of this variant in disease. Therefore, it has been classified as a Variant of Uncertain Significance.